The following is an entry in ClinVar:

ClinVar aggregate classification (germline): Uncertain significance. Review status: criteria provided, multiple submitters, no conflicts (2 of 4 stars). 2 submissions from 2 submitters: Uncertain significance (2). Last evaluated 2022-05-30.

Allele frequency attached by ClinVar (database versions not stated): gnomAD 0.00001; gnomAD exomes 0.00004; ExAC 0.00005.

Submissions (2):

Labcorp Genetics (formerly Invitae), Labcorp
Classification: Uncertain significance. Last evaluated: 2022-05-30. Review status: criteria provided, single submitter. Criteria: Invitae Variant Classification Sherloc (09022015). Collection method: clinical testing. Allele origin: germline.
Comment: This sequence change replaces proline, which is neutral and non-polar, with histidine, which is basic and polar, at codon 1858 of the APC2 protein (p.Pro1858His). The frequency data for this variant in the population databases is considered unreliable, as metrics indicate poor data quality at this position in the gnomAD database. This variant has not been reported in the literature in individuals affected with APC2-related conditions. ClinVar contains an entry for this variant (Variation ID: 1302954). Algorithms developed to predict the effect of missense changes on protein structure and function are either unavailable or do not agree on the potential impact of this missense change (SIFT: "Deleterious"; PolyPhen-2: "Probably Damaging"; Align-GVGD: "Class C0"). In summary, the available evidence is currently insufficient to determine the role of this variant in disease. Therefore, it has been classified as a Variant of Uncertain Significance.

GeneDx
Classification: Uncertain significance. Last evaluated: 2020-02-04. Review status: criteria provided, single submitter. Criteria: GeneDx Variant Classification Process June 2021. Collection method: clinical testing. Allele origin: germline. Affected: yes.
Comment: In silico analysis supports that this missense variant has a deleterious effect on protein structure/function; Has not been previously published as pathogenic or benign to our knowledge

NM_005883.3(APC2):c.5573C>A (p.Pro1858His)

Gene: APC2 (APC regulator of WNT signaling pathway 2; plus strand). Cytogenetic location: 19p13.3.
Variant type: single nucleotide variant.
Coding change: c.5573C>A on transcript NM_005883.3 (MANE Select); coding-DNA position 5573, C replaced by A.
Protein change: p.Pro1858His; replaces proline 1858 with histidine.
Molecular consequence: missense variant.
Genome position (GRCh38, 1-based): chr19:1,468,874, C>A. VCF-style: chr19-1468874-C-A. GRCh37 (hg19) VCF-style: chr19-1468873-C-A.
Other names: c.5570C>A, p.Pro1857His (NM_001351273.1); short protein forms P1857H, P1858H.
Identifiers: ClinVar variation 1302954 (VCV001302954.3), dbSNP rs747353110, ClinGen allele CA9046064.
Genomic context (GRCh38, chr19:1,468,874, plus strand): 5'-AGCGGTCGCGGAGCCTACACCGGCCTGCCAAGACCTCGGAGCTGGCGACGCTGAGCCAGC[C>A]CCCCAGAAGCGCCACACCGCCCGCCCGCCTCGCCAAGACCCCCTCCTCCAGCTCCTCCCA-3'
Protein context (NP_005874.1, residues 1848-1868): KTSELATLSQ[Pro1858His]PRSATPPARL